The following is an entry in ClinVar:

ClinVar aggregate classification (germline): Uncertain significance (1 of 4 stars; one submission).

Conditions:
Cardiovascular phenotype. Identifiers: MedGen CN230736.

Submission:

Ambry Genetics
Classification: Uncertain significance for Cardiovascular phenotype. Last evaluated: 2026-09-06. Review status: criteria provided, single submitter. Criteria: Ambry Variant Classification Scheme 2023. Collection method: clinical testing. Allele origin: germline.
Comment: The p.R442C variant (also known as c.1324C>T), located in coding exon 2 of the TNXB gene, results from a C to T substitution at nucleotide position 1324. The arginine at codon 442 is replaced by cysteine, an amino acid with highly dissimilar properties. This amino acid position is conserved. In addition, this alteration is predicted to be tolerated by in silico analysis. Based on the available evidence, the clinical significance of this variant remains unclear.

NM_001365276.2(TNXB):c.1324C>T (p.Arg442Cys)

Gene: TNXB (tenascin XB; minus strand). Cytogenetic location: 6p21.33.
Variant type: single nucleotide variant.
Coding change: c.1324C>T on transcript NM_001365276.2 (MANE Select); coding-DNA position 1324, C replaced by T.
Protein change: p.Arg442Cys; replaces arginine 442 with cysteine.
Molecular consequence: missense variant.
Genome position (GRCh38, 1-based): chr6:32,096,529, G>A on the plus strand (C>T on the coding strand, the complement: TNXB is on the minus strand). VCF-style: chr6-32096529-G-A. GRCh37 (hg19) VCF-style: chr6-32064306-G-A.
Other names: c.1324C>T, p.Arg442Cys (NM_001428335.1, NM_019105.8); short protein forms R442C.
Identifiers: ClinVar variation 5031051 (VCV005031051.1).
Genomic context (GRCh38, chr6:32,096,529, plus strand): 5'-CGCAGTCCTCGCCGCTGTAGCCCGCATTGCAAACACACACGCCGTTCTCGCAGCGCCCGC[G>A]ACCTCTACAGTCGCGTGGGCAGGCGCGCGAGCCGCAATCGGTTCCAGTGTACCCCGGCCA-3'
Protein context (NP_001352205.1, residues 432-452): SRACPRDCRG[Arg442Cys]GRCENGVCVC